The following is an entry in ClinVar:

NM_004360.5(CDH1):c.1711+5G>A

Gene: CDH1 (cadherin 1; plus strand). Cytogenetic location: 16q22.1.
Variant type: single nucleotide variant.
Coding change: c.1711+5G>A on transcript NM_004360.5 (MANE Select); 5 bases into the intron after coding-DNA position 1711, G replaced by A.
Molecular consequence: intron variant.
Genome position (GRCh38, 1-based): chr16:68,819,430, G>A. VCF-style: chr16-68819430-G-A. GRCh37 (hg19) VCF-style: chr16-68853333-G-A.
Other names: c.163+5G>A (NM_001317185.2); c.-254-2571G>A (NM_001317186.2); c.1528+5G>A (NM_001317184.2); c.1711+5G>A (LRG_301t1).
Identifiers: ClinVar variation 428630 (VCV000428630.50), dbSNP rs1131690818, ClinGen allele CA645369681.

ClinVar aggregate classification (germline): Uncertain significance. Review status: reviewed by expert panel (3 of 4 stars). 6 submissions from 6 submitters: Uncertain significance (1). 5 of the submissions do not count toward it. Last evaluated 2023-08-03.

Conditions:
CDH1-related diffuse gastric and lobular breast cancer syndrome. Also called: CDH1-related diffuse gastric and lobular breast cancer. Identifiers: MedGen CN311521, MONDO:0100488.
Familial cancer of breast. Also called: BREAST CANCER, FAMILIAL; hereditary breast carcinoma; Hereditary breast cancer. Identifiers: Orphanet 227535, MedGen C0346153, MONDO:0016419, OMIM 114480. Disease mechanism: loss of function.
Hereditary cancer-predisposing syndrome. Also called: Hereditary neoplastic syndrome; Tumor predisposition; Hereditary Cancer Syndrome; Neoplastic Syndromes, Hereditary. Identifiers: Orphanet 140162, MedGen C0027672, MeSH D009386, MONDO:0015356.
Hereditary diffuse gastric adenocarcinoma (HDGC). Also called: DIFFUSE GASTRIC AND LOBULAR BREAST CANCER SYNDROME. Identifiers: Orphanet 26106, MedGen C1708349, MONDO:0007648, OMIM 137215.

Submissions (7):

Clingen Gastric Cancer Variant Curation Expert Panel
Classification: Uncertain significance for CDH1-related diffuse gastric and lobular breast cancer syndrome. Last evaluated: 2023-08-03. Review status: reviewed by expert panel. Criteria: ClinGen CDH1 ACMG Specifications V3.1. Collection method: curation. Allele origin: germline. Inheritance: Autosomal dominant inheritance.
Comment: The c.1711+5G>A variant in CDH1 is an intronic variant which switches a G to an A in the +5 position of intron 11. This variant is known in five families, three of which meet HDGC criteria (PS4_moderate; PMID: 15235021, AmbryGenetics, Invitae, Color and CeTaG internal data). This variant is completely absent from population databases such as gnomAD (PM2_supporting). There is evidence of abnormal RNA expression of this variant allele as a functional consequence of incorrect slicing, but further studies are required to confirm this evidence (PS3_supporting; PMID: 15235021). In summary, this variant is classified as a variant of uncertain significance. ACMG/AMP criteria applied, as specified by the ClinGen CDH1 Variant Curation Expert Panel: PS3_supporting, PS4_moderate, PM2_supporting. (CDH1 VCEP specifications version 3.1; 06/26/2023)

Ambry Genetics
Classification: Pathogenic for Hereditary cancer-predisposing syndrome. Last evaluated: 2026-08-28. Review status: criteria provided, single submitter. Criteria: Ambry Variant Classification Scheme 2023. Collection method: clinical testing. Allele origin: germline. Not counted in ClinVar's aggregate classification.
Comment: The c.1711+5G>A intronic pathogenic mutation results from a G to A substitution 5 nucleotides after coding exon 11 in the CDH1 gene. This variant was detected in individuals with features consistent with CDH1-related diffuse gastric and lobular breast cancer (DGLBC) (Brooks-Wilson AR et al. J Med Genet. 2004 Jul;41(7):508-17 (referred to as IVS11+5G>A); Ambry internal data). In silico splice site analysis predicts that this alteration will not have any significant effect on splicing; however, RNA studies have demonstrated that this variant results in abnormal splicing in the set of samples tested (Brooks-Wilson AR et al. J Med Genet. 2004 Jul;41(7):508-17; Ambry internal data). This nucleotide position is highly conserved in available vertebrate species. This variant is considered to be rare based on population cohorts in the Genome Aggregation Database (gnomAD). Based on the supporting evidence, this variant is interpreted as a disease-causing mutation.

Labcorp Genetics (formerly Invitae), Labcorp
Classification: Likely pathogenic for Hereditary diffuse gastric adenocarcinoma. Last evaluated: 2025-07-06. Review status: criteria provided, single submitter. Criteria: Invitae Variant Classification Sherloc (09022015). Collection method: clinical testing. Allele origin: germline. Not counted in ClinVar's aggregate classification.
Comment: This sequence change falls in intron 11 of the CDH1 gene. It does not directly change the encoded amino acid sequence of the CDH1 protein. RNA analysis indicates that this variant induces altered splicing and may result in an absent or altered protein product. This variant is not present in population databases (gnomAD no frequency). This variant has been observed in individuals with hereditary diffuse gastric cancer syndrome (PMID: 15235021; internal data). This variant is also known as IVS11+5G>A. ClinVar contains an entry for this variant (Variation ID: 428630). Variants that disrupt the consensus splice site are a relatively common cause of aberrant splicing (PMID: 17576681, 9536098). Studies have shown that this variant results in skipping of exon 11, and produces a non-functional protein and/or introduces a premature termination codon (PMID: 15235021). In summary, the currently available evidence indicates that the variant is pathogenic, but additional data are needed to prove that conclusively. Therefore, this variant has been classified as Likely Pathogenic.

Color Diagnostics, LLC DBA Color Health
Classification: Uncertain significance for Hereditary cancer-predisposing syndrome. Last evaluated: 2023-04-17. Review status: criteria provided, single submitter. Criteria: ACMG Guidelines, 2015. Collection method: clinical testing. Allele origin: germline. Not counted in ClinVar's aggregate classification.

CeGaT Center for Human Genetics Tuebingen
Classification: Uncertain significance. Last evaluated: 2022-10-01. Review status: criteria provided, single submitter. Criteria: CeGaT Center For Human Genetics Tuebingen Variant Classification Criteria Version 2. Collection method: clinical testing. Allele origin: germline. Affected: yes. Observed: 1 variant allele. Not counted in ClinVar's aggregate classification.
Comment: CDH1: PM2, PP1, PS3:Supporting

Baylor Genetics
Classification: Likely pathogenic for Familial cancer of breast. Last evaluated: 2022-07-21. Review status: criteria provided, single submitter. Criteria: ACMG Guidelines, 2015. Collection method: clinical testing. Allele origin: unknown. Not counted in ClinVar's aggregate classification.

Dr. Peter K. Rogan Lab, Western University
No classification provided (evidence only). Condition: Familial cancer of breast. Review status: no classification provided. Collection method: in vitro. Allele origin: not applicable. Functional consequence: skipped exon. Not counted in ClinVar's aggregate classification.

Literature cited by the submitters: PubMed 19725995 (cited by Ambry Genetics); PubMed 15235021 (cited by Labcorp Genetics (formerly Invitae), Labcorp); PubMed 17576681 (cited by Labcorp Genetics (formerly Invitae), Labcorp); PubMed 9536098 (cited by Labcorp Genetics (formerly Invitae), Labcorp).